The following is an entry in ClinVar:

ClinVar aggregate classification (germline): Likely benign (1 of 4 stars; one submission).

gnomAD v4.1: 1 of 1,592,262 alleles (0.000063%); highest among the groups gnomAD compares: African/African-American, 0.0014%; no homozygotes.

Submission:

GeneDx
Classification: Likely benign. Last evaluated: 2016-08-15. Review status: criteria provided, single submitter. Criteria: GeneDx Variant Classification (06012015). Collection method: clinical testing. Allele origin: germline. Affected: yes.
Comment: This variant is considered likely benign or benign based on one or more of the following criteria: it is a conservative change, it occurs at a poorly conserved position in the protein, it is predicted to be benign by multiple in silico algorithms, and/or has population frequency not consistent with disease.

NM_020822.3(KCNT1):c.3495C>A (p.Thr1165=)

Gene: KCNT1 (potassium sodium-activated channel subfamily T member 1; plus strand). Cytogenetic location: 9q34.3.
Variant type: single nucleotide variant.
Coding change: c.3495C>A on transcript NM_020822.3 (MANE Select); coding-DNA position 3495, C replaced by A.
Protein change: p.Thr1165=; no amino-acid change (threonine 1165 retained).
Molecular consequence: synonymous variant.
Genome position (GRCh38, 1-based): chr9:135,786,514, C>A. VCF-style: chr9-135786514-C-A. GRCh37 (hg19) VCF-style: chr9-138678360-C-A.
Other names: c.3360C>A, p.Thr1120= (NM_001272003.2).
Identifiers: ClinVar variation 388536 (VCV000388536.1), dbSNP rs374429090, ClinGen allele CA16606435.